The following is an entry in ClinVar:

NM_007272.3(CTRC):c.226A>T (p.Ile76Phe)

Gene: CTRC (chymotrypsin C; plus strand). Cytogenetic location: 1p36.21.
Variant type: single nucleotide variant.
Coding change: c.226A>T on transcript NM_007272.3 (MANE Select); coding-DNA position 226, A replaced by T.
Protein change: p.Ile76Phe; replaces isoleucine 76 with phenylalanine.
Molecular consequence: missense variant.
Genome position (GRCh38, 1-based): chr1:15,440,586, A>T. VCF-style: chr1-15440586-A-T. GRCh37 (hg19) VCF-style: chr1-15767082-A-T.
Other names: short protein forms I76F.
Identifiers: ClinVar variation 3837281 (VCV003837281.1).

ClinVar aggregate classification (germline): Uncertain significance (1 of 4 stars; one submission).

Conditions:
Hereditary pancreatitis (PCTT). Also called: PRSS1-Related Hereditary Pancreatitis; Hereditary chronic pancreatitis. Identifiers: Orphanet 676, MedGen C0238339, MONDO:0008185, OMIM 167800.

Submission:

Ambry Genetics
Classification: Uncertain significance for Hereditary pancreatitis. Last evaluated: 2025-01-03. Review status: criteria provided, single submitter. Criteria: Ambry Variant Classification Scheme 2023. Collection method: clinical testing. Allele origin: germline.
Comment: The p.I76F variant (also known as c.226A>T), located in coding exon 3 of the CTRC gene, results from an A to T substitution at nucleotide position 226. The isoleucine at codon 76 is replaced by phenylalanine, an amino acid with highly similar properties. This amino acid position is conserved. In addition, this alteration is predicted to be deleterious by in silico analysis. Based on the available evidence, the clinical significance of this variant remains unclear.